The following is an entry in ClinVar:

NM_000287.4(PEX6):c.1826C>T (p.Thr609Ile)

Gene: PEX6 (peroxisomal biogenesis factor 6; minus strand). Cytogenetic location: 6p21.1.
Variant type: single nucleotide variant.
Coding change: c.1826C>T on transcript NM_000287.4 (MANE Select); coding-DNA position 1826, C replaced by T.
Protein change: p.Thr609Ile; replaces threonine 609 with isoleucine.
Molecular consequence: missense variant. On other transcripts: non-coding transcript variant (1).
Genome position (GRCh38, 1-based): chr6:42,967,426, G>A on the plus strand (C>T on the coding strand, the complement: PEX6 is on the minus strand). VCF-style: chr6-42967426-G-A. GRCh37 (hg19) VCF-style: chr6-42935164-G-A.
Other names: c.1562C>T, p.Thr521Ile (NM_001316313.2); short protein forms T521I, T609I.
Identifiers: ClinVar variation 1366082 (VCV001366082.8), dbSNP rs2114242443, ClinGen allele CA364153498.

ClinVar aggregate classification (germline): Uncertain significance (1 of 4 stars; one submission).

Conditions:
Peroxisome biogenesis disorder. Identifiers: Orphanet 79189, MedGen C1832200, MONDO:0019234. Disease mechanism: loss of function.

Submission:

Labcorp Genetics (formerly Invitae), Labcorp
Classification: Uncertain significance for Peroxisome biogenesis disorder. Last evaluated: 2022-06-27. Review status: criteria provided, single submitter. Criteria: Invitae Variant Classification Sherloc (09022015). Collection method: clinical testing. Allele origin: germline.
Comment: In summary, the available evidence is currently insufficient to determine the role of this variant in disease. Therefore, it has been classified as a Variant of Uncertain Significance. Algorithms developed to predict the effect of missense changes on protein structure and function (SIFT, PolyPhen-2, Align-GVGD) all suggest that this variant is likely to be tolerated. This variant has not been reported in the literature in individuals affected with PEX6-related conditions. This variant is not present in population databases (gnomAD no frequency). This sequence change replaces threonine, which is neutral and polar, with isoleucine, which is neutral and non-polar, at codon 609 of the PEX6 protein (p.Thr609Ile).